The following is an entry in ClinVar:

ClinVar aggregate classification (germline): Uncertain significance (1 of 4 stars; one submission).

Conditions:
TMC1-related disorder. Also called: TMC1-related condition; TMC1-related disorders.

gnomAD v4.1: 1 of 1,613,276 alleles (0.000062%); highest among the groups gnomAD compares: Non-Finnish European, 0.000085%; no homozygotes.

Submission:

PreventionGenetics, part of Exact Sciences
Classification: Uncertain significance for TMC1-related condition. Last evaluated: 2023-06-13. Review status: criteria provided, single submitter. Criteria: ACMG Guidelines, 2015. Collection method: clinical testing. Allele origin: germline.
Comment: The TMC1 c.1696C>T variant is predicted to result in the amino acid substitution p.Pro566Ser. To our knowledge, this variant has not been reported in the literature or in a large population database, indicating this variant is rare. At this time, the clinical significance of this variant is uncertain due to the absence of conclusive functional and genetic evidence.

NM_138691.3(TMC1):c.1696C>T (p.Pro566Ser)

Gene: TMC1 (transmembrane channel like 1; plus strand). Cytogenetic location: 9q21.13.
Variant type: single nucleotide variant.
Coding change: c.1696C>T on transcript NM_138691.3 (MANE Select); coding-DNA position 1696, C replaced by T.
Protein change: p.Pro566Ser; replaces proline 566 with serine.
Molecular consequence: missense variant.
Genome position (GRCh38, 1-based): chr9:72,816,143, C>T. VCF-style: chr9-72816143-C-T. GRCh37 (hg19) VCF-style: chr9-75431059-C-T.
Other names: short protein forms P566S.
Identifiers: ClinVar variation 2632373 (VCV002632373.1), dbSNP rs2118284014, ClinGen allele CA373668193.